The following is an entry in ClinVar:

ClinVar aggregate classification (germline): Uncertain significance (1 of 4 stars; one submission).

Allele frequency attached by ClinVar (database versions not stated): gnomAD exomes below 0.00001.
gnomAD v4.1: 1 of 1,614,144 alleles (0.000062%); highest among the groups gnomAD compares: South Asian, 0.0011%; no homozygotes.

Submission:

Ambry Genetics
Classification: Uncertain significance. Last evaluated: 2022-10-28. Review status: criteria provided, single submitter. Criteria: Ambry Variant Classification Scheme 2023. Collection method: clinical testing. Allele origin: germline.
Comment: The p.E789K variant (also known as c.2365G>A), located in coding exon 4 of the ALPK2 gene, results from a G to A substitution at nucleotide position 2365. The glutamic acid at codon 789 is replaced by lysine, an amino acid with similar properties. This amino acid position is conserved. In addition, this alteration is predicted to be tolerated by in silico analysis. Since supporting evidence is limited at this time, the clinical significance of this alteration remains unclear.

NM_052947.4(ALPK2):c.2365G>A (p.Glu789Lys)

Gene: ALPK2 (alpha kinase 2; minus strand). Cytogenetic location: 18q21.31.
Variant type: single nucleotide variant.
Coding change: c.2365G>A on transcript NM_052947.4 (MANE Select); coding-DNA position 2365, G replaced by A.
Protein change: p.Glu789Lys; replaces glutamic acid 789 with lysine.
Molecular consequence: missense variant.
Genome position (GRCh38, 1-based): chr18:58,537,822, C>T on the plus strand (G>A on the coding strand, the complement: ALPK2 is on the minus strand). VCF-style: chr18-58537822-C-T. GRCh37 (hg19) VCF-style: chr18-56205054-C-T.
Other names: short protein forms E789K.
Identifiers: ClinVar variation 1790209 (VCV001790209.2), dbSNP rs990708529, ClinGen allele CA300927656.